The following is an entry in ClinVar:

NM_015378.4(VPS13D):c.11107C>A (p.Pro3703Thr)

Gene: VPS13D (vacuolar protein sorting 13 homolog D; plus strand). Cytogenetic location: 1p36.22.
Variant type: single nucleotide variant.
Coding change: c.11107C>A on transcript NM_015378.4 (MANE Select); coding-DNA position 11107, C replaced by A.
Protein change: p.Pro3703Thr; replaces proline 3703 with threonine.
Molecular consequence: missense variant.
Genome position (GRCh38, 1-based): chr1:12,379,513, C>A. VCF-style: chr1-12379513-C-A. GRCh37 (hg19) VCF-style: chr1-12439567-C-A.
Other names: c.11032C>A, p.Pro3678Thr (NM_018156.4); short protein forms P3678T, P3703T.
Identifiers: ClinVar variation 2000517 (VCV002000517.4), dbSNP rs769690065, ClinGen allele CA603865.

ClinVar aggregate classification (germline): Uncertain significance (1 of 4 stars; one submission).

Allele frequency attached by ClinVar (database versions not stated): gnomAD exomes below 0.00001; ExAC 0.00001.
gnomAD v4.1: 1 of 1,612,908 alleles (0.000062%); highest among the groups gnomAD compares: Admixed American, 0.0017%; no homozygotes.

Submission:

Labcorp Genetics (formerly Invitae), Labcorp
Classification: Uncertain significance. Last evaluated: 2024-11-15. Review status: criteria provided, single submitter. Criteria: Invitae Variant Classification Sherloc (09022015). Collection method: clinical testing. Allele origin: germline.
Comment: This sequence change replaces proline, which is neutral and non-polar, with threonine, which is neutral and polar, at codon 3703 of the VPS13D protein (p.Pro3703Thr). This variant is present in population databases (rs769690065, gnomAD 0.003%). This variant has not been reported in the literature in individuals affected with VPS13D-related conditions. ClinVar contains an entry for this variant (Variation ID: 2000517). Invitae Evidence Modeling of protein sequence and biophysical properties (such as structural, functional, and spatial information, amino acid conservation, physicochemical variation, residue mobility, and thermodynamic stability) has been performed for this missense variant. However, the output from this modeling did not meet the statistical confidence thresholds required to predict the impact of this variant on VPS13D protein function. In summary, the available evidence is currently insufficient to determine the role of this variant in disease. Therefore, it has been classified as a Variant of Uncertain Significance.